The following is an entry in ClinVar:

ClinVar aggregate classification (germline): Likely benign. Review status: criteria provided, multiple submitters, no conflicts (2 of 4 stars). 3 submissions from 3 submitters: Likely benign (3). Last evaluated 2025-03-10.

Conditions:
Familial hypercholesterolemia. Also called: Familial hypercholesterolemias; Familial hypercholesterolaemia. Identifiers: MedGen C0020445, MONDO:0005439.
Hypercholesterolemia, autosomal dominant, 3 (FHCL3). Also called: Familial hypercholesterolemia 3; Familial Hypercholesterolemia, Autosomal Dominant, 3; PCSK9-Related Familial Hypercholesterolemia, Autosomal Dominant. Identifiers: MedGen C1863551, MONDO:0011369, OMIM 603776.

Allele frequency attached by ClinVar (database versions not stated): gnomAD exomes 0.00004; ExAC 0.00006.
gnomAD v4.1: 32 of 1,614,200 alleles (0.002%); highest among the groups gnomAD compares: South Asian, 0.03%; no homozygotes.

Submissions (3):

Labcorp Genetics (formerly Invitae), Labcorp
Classification: Likely benign for Hypercholesterolemia, autosomal dominant, 3. Last evaluated: 2025-03-10. Review status: criteria provided, single submitter. Criteria: Invitae Variant Classification Sherloc (09022015). Collection method: clinical testing. Allele origin: germline.

Color Diagnostics, LLC DBA Color Health
Classification: Likely benign for Familial hypercholesterolemia. Last evaluated: 2024-09-04. Review status: criteria provided, single submitter. Criteria: ACMG Guidelines, 2015. Collection method: clinical testing. Allele origin: germline.

All of Us Research Program, National Institutes of Health
Classification: Likely benign for Hypercholesterolemia, autosomal dominant, 3. Last evaluated: 2023-05-04. Review status: criteria provided, single submitter. Criteria: ACMG Guidelines, 2015. Collection method: clinical testing. Allele origin: germline. Inheritance: Autosomal dominant inheritance. Observed: 2 variant alleles, 2 heterozygotes.
Comment: This study involves interpretation of variants in research participants for the purpose of population health screening. Participant phenotype was not available at the time of variant classification. Additional details can be found in publication PMID: 35346344, PMCID: PMC8962531

NM_174936.4(PCSK9):c.382G>A (p.Gly128Ser)

Gene: PCSK9 (proprotein convertase subtilisin/kexin type 9; plus strand). Cytogenetic location: 1p32.3.
Variant type: single nucleotide variant.
Coding change: c.382G>A on transcript NM_174936.4 (MANE Select); coding-DNA position 382, G replaced by A.
Protein change: p.Gly128Ser; replaces glycine 128 with serine.
Molecular consequence: missense variant.
Genome position (GRCh38, 1-based): chr1:55,044,017, G>A. VCF-style: chr1-55044017-G-A. GRCh37 (hg19) VCF-style: chr1-55509690-G-A.
Other names: short protein forms G128S.
Identifiers: ClinVar variation 924428 (VCV000924428.12), dbSNP rs766314770, ClinGen allele CA041673.
Genomic context (GRCh38, chr1:55,044,017, plus strand): 5'-CTCACCAAGATCCTGCATGTCTTCCATGGCCTTCTTCCTGGCTTCCTGGTGAAGATGAGT[G>A]GCGACCTGCTGGAGCTGGTGAGCCACCCTTTTTGGGAATGGCACTTCCTGATAGGGCTGG-3'
Protein context (NP_777596.2, residues 118-138): LLPGFLVKMS[Gly128Ser]DLLELALKLP